The following is an entry in ClinVar:

ClinVar aggregate classification (germline): Pathogenic (1 of 4 stars; one submission).

Conditions:
LAMA2-related muscular dystrophy (LAMA2-RD). Also called: Laminin alpha 2-related dystrophy. Identifiers: MedGen C5679788, MONDO:0100228.

Submission:

Labcorp Genetics (formerly Invitae), Labcorp
Classification: Pathogenic for LAMA2-related muscular dystrophy. Last evaluated: 2022-02-08. Review status: criteria provided, single submitter. Criteria: Invitae Variant Classification Sherloc (09022015). Collection method: clinical testing. Allele origin: germline.
Comment: This sequence change creates a premature translational stop signal (p.His3035Trpfs*5) in the LAMA2 gene. It is expected to result in an absent or disrupted protein product. Loss-of-function variants in LAMA2 are known to be pathogenic (PMID: 18700894, 32904964). This variant is not present in population databases (gnomAD no frequency). This variant has not been reported in the literature in individuals affected with LAMA2-related conditions. For these reasons, this variant has been classified as Pathogenic.

Literature cited by the submitters: PubMed 18700894; PubMed 32904964.

NM_000426.4(LAMA2):c.9066_9102dup (p.His3035delinsTrpThrMetAlaTer)

Gene: LAMA2 (laminin subunit alpha 2; plus strand). Cytogenetic location: 6q22.33.
Variant type: Duplication.
Coding change: c.9066_9102dup on transcript NM_000426.4 (MANE Select); coding-DNA positions 9066 to 9102, 37 bases duplicated.
Protein change: p.His3035delinsTrpThrMetAlaTer.
Molecular consequence: nonsense.
Genome position (GRCh38, 1-based): chr6:129,514,450-129,514,486, 37 bases duplicated; duplicating any 37 consecutive bases within chr6:129,514,449-129,514,486 gives the same sequence; the c. name uses the placement nearest the transcript's 3' end. GRCh37 (hg19): chr6:129,835,595-129,835,631.
Other names: c.9054_9090dup, p.His3031delinsTrpThrMetAlaTer (NM_001079823.2).
Identifiers: ClinVar variation 2094502 (VCV002094502.4), dbSNP rs2533599000, ClinGen allele CA2580074990.